The following is an entry in ClinVar:

ClinVar aggregate classification (germline): Uncertain significance (1 of 4 stars; one submission).

gnomAD v4.1: 2 of 1,613,352 alleles (0.00012%); highest among the groups gnomAD compares: Non-Finnish European, 0.00017%; no homozygotes.

Submission:

Labcorp Genetics (formerly Invitae), Labcorp
Classification: Uncertain significance. Last evaluated: 2024-06-12. Review status: criteria provided, single submitter. Criteria: Invitae Variant Classification Sherloc (09022015). Collection method: clinical testing. Allele origin: germline.
Comment: This sequence change replaces proline, which is neutral and non-polar, with arginine, which is basic and polar, at codon 1533 of the COL11A1 protein (p.Pro1533Arg). This variant is not present in population databases (gnomAD no frequency). This variant has not been reported in the literature in individuals affected with COL11A1-related conditions. Advanced modeling of protein sequence and biophysical properties (such as structural, functional, and spatial information, amino acid conservation, physicochemical variation, residue mobility, and thermodynamic stability) has been performed at Invitae for this missense variant, however the output from this modeling did not meet the statistical confidence thresholds required to predict the impact of this variant on COL11A1 protein function. In summary, the available evidence is currently insufficient to determine the role of this variant in disease. Therefore, it has been classified as a Variant of Uncertain Significance.

NM_001854.4(COL11A1):c.4598C>G (p.Pro1533Arg)

Gene: COL11A1 (collagen type XI alpha 1 chain; minus strand). Cytogenetic location: 1p21.1.
Variant type: single nucleotide variant.
Coding change: c.4598C>G on transcript NM_001854.4 (MANE Select); coding-DNA position 4598, C replaced by G.
Protein change: p.Pro1533Arg; replaces proline 1533 with arginine.
Molecular consequence: missense variant. On other transcripts: non-coding transcript variant (1).
Genome position (GRCh38, 1-based): chr1:102,888,587, G>C on the plus strand (C>G on the coding strand, the complement: COL11A1 is on the minus strand). VCF-style: chr1-102888587-G-C. GRCh37 (hg19) VCF-style: chr1-103354143-G-C.
Other names: c.4481C>G, p.Pro1494Arg (NM_001190709.2); c.4634C>G, p.Pro1545Arg (NM_080629.3); c.4250C>G, p.Pro1417Arg (NM_080630.4); short protein forms P1417R, P1494R, P1533R, P1545R.
Identifiers: ClinVar variation 3612749 (VCV003612749.2).